The following is an entry in ClinVar:

NM_001114123.3(ELK1):c.642C>T (p.Gly214=)

Gene: ELK1 (ETS transcription factor ELK1; minus strand). Cytogenetic location: Xp11.23.
Variant type: single nucleotide variant.
Coding change: c.642C>T on transcript NM_001114123.3 (MANE Select); coding-DNA position 642, C replaced by T.
Protein change: p.Gly214=; no amino-acid change (glycine 214 retained).
Molecular consequence: synonymous variant. On other transcripts: intron variant (1).
Genome position (GRCh38, 1-based): chrX:47,638,907, G>A on the plus strand (C>T on the coding strand, the complement: ELK1 is on the minus strand). VCF-style: chrX-47638907-G-A. GRCh37 (hg19) VCF-style: chrX-47498306-G-A.
Other names: c.642C>T, p.Gly214= (NM_005229.4); c.270+372C>T (NM_001257168.1).
Identifiers: ClinVar variation 2660434 (VCV002660434.24), dbSNP rs749832700, ClinGen allele CA10399151.

ClinVar aggregate classification (germline): Likely benign (1 of 4 stars; one submission).

Allele frequency attached by ClinVar (database versions not stated): ExAC 0.00003; TOPMed 0.00004; gnomAD exomes 0.00009; gnomAD 0.00014.
gnomAD v4.1: 112 of 1,202,108 alleles (0.0093%); highest among the groups gnomAD compares: Middle Eastern, 0.12%; no homozygotes.

Submission:

CeGaT Center for Human Genetics Tuebingen
Classification: Likely benign. Last evaluated: 2023-01-01. Review status: criteria provided, single submitter. Criteria: CeGaT Center For Human Genetics Tuebingen Variant Classification Criteria Version 2. Collection method: clinical testing. Allele origin: germline. Affected: yes. Observed: 1 variant allele.
Comment: ELK1: BP4, BP7, BS2